The following is an entry in ClinVar:

ClinVar aggregate classification (germline): Uncertain significance (1 of 4 stars; one submission).

Allele frequency attached by ClinVar (database versions not stated): ExAC 0.00001; gnomAD exomes below 0.00001.
gnomAD v4.1: 2 of 1,613,846 alleles (0.00012%); highest among the groups gnomAD compares: Non-Finnish European, 0.00017%; no homozygotes.

Submission:

Labcorp Genetics (formerly Invitae), Labcorp
Classification: Uncertain significance. Last evaluated: 2022-06-13. Review status: criteria provided, single submitter. Criteria: Invitae Variant Classification Sherloc (09022015). Collection method: clinical testing. Allele origin: germline.
Comment: This sequence change replaces isoleucine, which is neutral and non-polar, with valine, which is neutral and non-polar, at codon 260 of the TYRP1 protein (p.Ile260Val). This variant is present in population databases (rs757120481, gnomAD 0.0009%). This variant has not been reported in the literature in individuals affected with TYRP1-related conditions. Algorithms developed to predict the effect of missense changes on protein structure and function output the following: SIFT: "Tolerated"; PolyPhen-2: "Benign"; Align-GVGD: "Class C0". The valine amino acid residue is found in multiple mammalian species, which suggests that this missense change does not adversely affect protein function. In summary, the available evidence is currently insufficient to determine the role of this variant in disease. Therefore, it has been classified as a Variant of Uncertain Significance.

NM_000550.3(TYRP1):c.778A>G (p.Ile260Val)

Gene: TYRP1 (tyrosinase related protein 1; plus strand). Cytogenetic location: 9p23.
Variant type: single nucleotide variant.
Coding change: c.778A>G on transcript NM_000550.3 (MANE Select); coding-DNA position 778, A replaced by G.
Protein change: p.Ile260Val; replaces isoleucine 260 with valine.
Molecular consequence: missense variant.
Genome position (GRCh38, 1-based): chr9:12,698,520, A>G. VCF-style: chr9-12698520-A-G. GRCh37 (hg19) VCF-style: chr9-12698520-A-G.
Other names: short protein forms I260V.
Identifiers: ClinVar variation 1369567 (VCV001369567.3), dbSNP rs757120481, ClinGen allele CA4985323.
Genomic context (GRCh38, chr9:12,698,520, plus strand): 5'-CAAGAGCCTTCTTTCTCCCTTCCTTACTGGAATTTTGCAACGGGGAAAAATGTCTGTGAT[A>G]TCTGCACGGATGACTTGATGGGATCCAGAAGCAACTTTGATTCCACTCTAATAAGCCCAA-3'
Protein context (NP_000541.1, residues 250-270): NFATGKNVCD[Ile260Val]CTDDLMGSRS